The following is an entry in ClinVar:

ClinVar aggregate classification (germline): Uncertain significance (1 of 4 stars; one submission).

Conditions:
Tuberous sclerosis syndrome (TSC). Also called: Tuberous Sclerosis Complex; Tuberous sclerosis. Identifiers: Orphanet 805, MedGen C0041341, MONDO:0001734.

Submission:

All of Us Research Program, National Institutes of Health
Classification: Uncertain significance for Tuberous sclerosis syndrome. Last evaluated: 2023-11-20. Review status: criteria provided, single submitter. Criteria: ACMG Guidelines, 2015. Collection method: clinical testing. Allele origin: germline. Inheritance: Autosomal dominant inheritance. Observed: 1 variant allele, 1 heterozygote.
Comment: This missense variant replaces tryptophan with cysteine at codon 1208 of the TSC2 protein. Computational prediction suggests that this variant may have deleterious impact on protein structure and function (internally defined REVEL score threshold >= 0.7, PMID: 27666373). To our knowledge, functional studies have not been reported for this variant. This variant has not been reported in individuals affected with TSC2-related disorders in the literature. This variant has not been identified in the general population by the Genome Aggregation Database (gnomAD). The available evidence is insufficient to determine the role of this variant in disease conclusively. Therefore, this variant is classified as a Variant of Uncertain Significance.

This study involves interpretation of variants in research participants for the purpose of population health screening. Participant phenotype was not available at the time of variant classification. Additional details can be found in publication PMID: 35346344, PMCID: PMC8962531

NM_000548.5(TSC2):c.3624G>T (p.Trp1208Cys)

Gene: TSC2 (TSC complex subunit 2; plus strand). Cytogenetic location: 16p13.3.
Variant type: single nucleotide variant.
Coding change: c.3624G>T on transcript NM_000548.5 (MANE Select); coding-DNA position 3624, G replaced by T.
Protein change: p.Trp1208Cys; replaces tryptophan 1208 with cysteine.
Molecular consequence: missense variant. On other transcripts: non-coding transcript variant (5).
Genome position (GRCh38, 1-based): chr16:2,081,608, G>T. VCF-style: chr16-2081608-G-T. GRCh37 (hg19) VCF-style: chr16-2131609-G-T.
Other names: c.3492G>T, p.Trp1164Cys (NM_001077183.3, NM_001370404.1, NM_001406665.1); c.3624G>T, p.Trp1208Cys (NM_001114382.3); c.3384G>T, p.Trp1128Cys (NM_001318827.2); c.3348G>T, p.Trp1116Cys (NM_001318829.2); c.2892G>T, p.Trp964Cys (NM_001318831.2, NM_001406687.1, NM_001406688.1); c.3525G>T, p.Trp1175Cys (NM_001318832.2); c.3495G>T, p.Trp1165Cys (NM_001363528.2, NM_001370405.1, NM_021055.3); c.3621G>T, p.Trp1207Cys (NM_001406663.1, NM_001406664.1); and 18 more; short protein forms W1007C, W1008C, W1011C, W1115C, W1116C, W1127C, W1128C, W1145C.
Identifiers: ClinVar variation 3074520 (VCV003074520.1), dbSNP rs796053496, ClinGen allele CA394291545.
Genomic context (GRCh38, chr16:2,081,608, plus strand): 5'-TAAGGGGAGGTACTGGCCTCAGGCCAAAGGTGCTGCCGCCTCCGCAGGGAACACCAGCTG[G>T]CTGATGAGCCTGGAGAACCCGCTCAGCCCTTTCTCCTCGGACATCAACAACATGCCCCTG-3'
Protein context (NP_000539.2, residues 1198-1218): LVRRPTGNTS[Trp1208Cys]LMSLENPLSP